The following is an entry in ClinVar:

ClinVar aggregate classification (germline): Uncertain significance (1 of 4 stars; one submission).

Conditions:
Hereditary cancer-predisposing syndrome. Also called: Hereditary Cancer Syndrome; Tumor predisposition; Hereditary neoplastic syndrome; Neoplastic Syndromes, Hereditary. Identifiers: Orphanet 140162, MedGen C0027672, MeSH D009386, MONDO:0015356.
Cardiovascular phenotype. Identifiers: MedGen CN230736.

Submission:

Ambry Genetics
Classification: Uncertain significance for Cardiovascular phenotype; Hereditary cancer-predisposing syndrome. Last evaluated: 2024-10-08. Review status: criteria provided, single submitter. Criteria: Ambry Variant Classification Scheme 2023. Collection method: clinical testing. Allele origin: germline.
Comment: The p.S1843G variant (also known as c.5527A>G), located in coding exon 37 of the NF1 gene, results from an A to G substitution at nucleotide position 5527. The serine at codon 1843 is replaced by glycine, an amino acid with similar properties. This amino acid position is conserved. In addition, the in silico prediction for this alteration is inconclusive. Based on the available evidence, the clinical significance of this variant remains unclear.

NM_001042492.3(NF1):c.5590A>G (p.Ser1864Gly)

Gene: NF1 (neurofibromin 1; plus strand). Cytogenetic location: 17q11.2.
Variant type: single nucleotide variant.
Coding change: c.5590A>G on transcript NM_001042492.3 (MANE Select); coding-DNA position 5590, A replaced by G.
Protein change: p.Ser1864Gly; replaces serine 1864 with glycine.
Molecular consequence: missense variant.
Genome position (GRCh38, 1-based): chr17:31,327,820, A>G. VCF-style: chr17-31327820-A-G. GRCh37 (hg19) VCF-style: chr17-29654838-A-G.
Other names: c.5527A>G, p.Ser1843Gly (NM_000267.4); short protein forms S1864G, S1843G.
Identifiers: ClinVar variation 3404786 (VCV003404786.1).